The following is an entry in ClinVar:

ClinVar aggregate classification (germline): Uncertain significance (1 of 4 stars; one submission).

Conditions:
TNF receptor-associated periodic fever syndrome (TRAPS) (FPF). Also called: FAMILIAL HIBERNIAN FEVER; TNF RECEPTOR-ASSOCIATED PERIODIC SYNDROME; TUMOR NECROSIS FACTOR RECEPTOR-ASSOCIATED PERIODIC SYNDROME; TNF Receptor-Associated Periodic Fever Syndrome; TNF receptor 1-associated periodic fever syndrome; Autosomal Dominant Familial Periodic Fever. Identifiers: Orphanet 32960, MedGen C1275126, MONDO:0007727, OMIM 142680.

Allele frequency attached by ClinVar (database versions not stated): gnomAD exomes 0.00001; TOPMed 0.00001; gnomAD 0.00002.
gnomAD v4.1: 11 of 1,613,712 alleles (0.00068%); highest among the groups gnomAD compares: Non-Finnish European, 0.00093%; no homozygotes.

Submission:

Labcorp Genetics (formerly Invitae), Labcorp
Classification: Uncertain significance for TNF receptor-associated periodic fever syndrome (TRAPS). Last evaluated: 2025-07-30. Review status: criteria provided, single submitter. Criteria: Invitae Variant Classification Sherloc (09022015). Collection method: clinical testing. Allele origin: germline.
Comment: This sequence change replaces threonine, which is neutral and polar, with asparagine, which is neutral and polar, at codon 205 of the TNFRSF1A protein (p.Thr205Asn). This variant is present in population databases (no rsID available, gnomAD 0.007%). This variant has not been reported in the literature in individuals affected with TNFRSF1A-related conditions. ClinVar contains an entry for this variant (Variation ID: 1991620). Invitae Evidence Modeling of protein sequence and biophysical properties (such as structural, functional, and spatial information, amino acid conservation, physicochemical variation, residue mobility, and thermodynamic stability) has been performed for this missense variant. However, the output from this modeling did not meet the statistical confidence thresholds required to predict the impact of this variant on TNFRSF1A protein function. In summary, the available evidence is currently insufficient to determine the role of this variant in disease. Therefore, it has been classified as a Variant of Uncertain Significance.

NM_001065.4(TNFRSF1A):c.614C>A (p.Thr205Asn)

Gene: TNFRSF1A (TNF receptor superfamily member 1A; minus strand). Cytogenetic location: 12p13.31.
Variant type: single nucleotide variant.
Coding change: c.614C>A on transcript NM_001065.4 (MANE Select); coding-DNA position 614, C replaced by A.
Protein change: p.Thr205Asn; replaces threonine 205 with asparagine.
Molecular consequence: missense variant.
Genome position (GRCh38, 1-based): chr12:6,330,864, G>T on the plus strand (C>A on the coding strand, the complement: TNFRSF1A is on the minus strand). VCF-style: chr12-6330864-G-T. GRCh37 (hg19) VCF-style: chr12-6440030-G-T.
Other names: c.290C>A, p.Thr97Asn (NM_001346091.2); c.155C>A, p.Thr52Asn (NM_001346092.2); short protein forms T205N, T52N, T97N.
Identifiers: ClinVar variation 1991620 (VCV001991620.4), dbSNP rs927880499, ClinGen allele CA232327564.
Genomic context (GRCh38, chr12:6,330,864, plus strand): 5'-GAAGAGGGAGAGGGCAGGTGAGCATGGGCACCAGGTCACTTCTCCTCACCTGAGTCCTCA[G>T]TGCCCTTAACATTCTCAATCTGGGGTAGGCACAACTTCGTGCACTCCAGGCTTTTCTTAC-3'
Protein context (NP_001056.1, residues 195-215): CLPQIENVKG[Thr205Asn]EDSGTTVLLP